The following is an entry in ClinVar:

ClinVar aggregate classification (germline): Pathogenic (0 of 4 stars; one submission).

Conditions:
Palmoplantar keratoderma-deafness syndrome. Also called: Keratoderma palmoplantar, with deafness; Palmoplantar keratoderma and sensorineural deafness; Hereditary palmoplantar keratoderma with deafness (subtype); Focal palmoplantar keratoderma with sensorineural deafness (subtype); Diffuse palmoplantar keratoderma with deafness (subtype). Identifiers: Orphanet 2202, MedGen C1835672, MONDO:0007852, OMIM 148350.

Submission:

Medical Genetics, University of Parma
Classification: Pathogenic for Palmoplantar keratoderma-deafness syndrome. Last evaluated: 2016-04-26. Review status: no assertion criteria provided. Collection method: clinical testing. Allele origin: germline. Inheritance: Autosomal dominant inheritance. Affected: yes. Observed: 1 variant allele, 1 heterozygote.
Comment: Variant predicted to result in aminoacid change not previously reported in patients with disease. Variant detected in four affected family members.

NM_004004.6(GJB2):c.66G>T (p.Lys22Asn)

Gene: GJB2 (gap junction protein beta 2; minus strand). Cytogenetic location: 13q12.11.
Variant type: single nucleotide variant.
Coding change: c.66G>T on transcript NM_004004.6 (MANE Select); coding-DNA position 66, G replaced by T.
Protein change: p.Lys22Asn; replaces lysine 22 with asparagine.
Molecular consequence: missense variant.
Genome position (GRCh38, 1-based): chr13:20,189,516, C>A on the plus strand (G>T on the coding strand, the complement: GJB2 is on the minus strand). VCF-style: chr13-20189516-C-A. GRCh37 (hg19) VCF-style: chr13-20763655-C-A.
Other names: short protein forms K22N.
Identifiers: ClinVar variation 242831 (VCV000242831.2), dbSNP rs879253741, ClinGen allele CA10584002.